The following is an entry in ClinVar:

ClinVar aggregate classification (germline): Uncertain significance. Review status: criteria provided, multiple submitters, no conflicts (2 of 4 stars). 2 submissions from 2 submitters: Uncertain significance (2). Last evaluated 2022-10-24.

Conditions:
Chédiak-Higashi syndrome (CHS). Also called: Chediak-Higashi Syndrome. Identifiers: Orphanet 167, MedGen C0007965, MONDO:0008963, OMIM 214500.

Allele frequency attached by ClinVar (database versions not stated): ExAC 0.00001; gnomAD exomes 0.00001; gnomAD 0.00004; TOPMed 0.00006.
gnomAD v4.1: 16 of 1,613,636 alleles (0.00099%); highest among the groups gnomAD compares: Admixed American, 0.022%; no homozygotes.

Submissions (2):

Labcorp Genetics (formerly Invitae), Labcorp
Classification: Uncertain significance for Chédiak-Higashi syndrome. Last evaluated: 2022-10-24. Review status: criteria provided, single submitter. Criteria: Invitae Variant Classification Sherloc (09022015). Collection method: clinical testing. Allele origin: germline.
Comment: This sequence change replaces phenylalanine, which is neutral and non-polar, with leucine, which is neutral and non-polar, at codon 1775 of the LYST protein (p.Phe1775Leu). This variant is present in population databases (rs779693060, gnomAD 0.01%). This variant has not been reported in the literature in individuals affected with LYST-related conditions. ClinVar contains an entry for this variant (Variation ID: 1372412). Advanced modeling of protein sequence and biophysical properties (such as structural, functional, and spatial information, amino acid conservation, physicochemical variation, residue mobility, and thermodynamic stability) performed at Invitae indicates that this missense variant is not expected to disrupt LYST protein function. In summary, the available evidence is currently insufficient to determine the role of this variant in disease. Therefore, it has been classified as a Variant of Uncertain Significance.

Revvity Omics, Revvity
Classification: Uncertain significance for Chédiak-Higashi syndrome. Last evaluated: 2021-07-09. Review status: criteria provided, single submitter. Criteria: ACMG Guidelines, 2015. Collection method: clinical testing. Allele origin: germline.

NM_000081.4(LYST):c.5323T>C (p.Phe1775Leu)

Gene: LYST (lysosomal trafficking regulator; minus strand). Cytogenetic location: 1q42.3.
Variant type: single nucleotide variant.
Coding change: c.5323T>C on transcript NM_000081.4 (MANE Select); coding-DNA position 5323, T replaced by C.
Protein change: p.Phe1775Leu; replaces phenylalanine 1775 with leucine.
Molecular consequence: missense variant.
Genome position (GRCh38, 1-based): chr1:235,777,200, A>G on the plus strand (T>C on the coding strand, the complement: LYST is on the minus strand). VCF-style: chr1-235777200-A-G. GRCh37 (hg19) VCF-style: chr1-235940500-A-G.
Other names: c.5323T>C, p.Phe1775Leu (NM_001301365.1); short protein forms F1775L.
Identifiers: ClinVar variation 1372412 (VCV001372412.5), dbSNP rs779693060, ClinGen allele CA1466649.
Genomic context (GRCh38, chr1:235,777,200, plus strand): 5'-GTTGGAGATTCTTTAGATGATGAGGTTCTAATAAGATGCTCTGAACTTCTTTTGAGCTGA[A>G]GGGTCTTTGAGAGAGTTGGGTTTTCATTTGACCTTTAAGTCTAATCACTGGTTCATAGAT-3'
Protein context (NP_000072.2, residues 1765-1785): QMKTQLSQRP[Phe1775Leu]SSKEVQSILL